The following is an entry in ClinVar:

ClinVar aggregate classification (germline): Uncertain significance. Review status: criteria provided, multiple submitters, no conflicts (2 of 4 stars). 2 submissions from 2 submitters: Uncertain significance (2). Last evaluated 2024-04-06.

Conditions:
Marfan syndrome (MFS). Also called: FBN1-Related Marfan Syndrome; MARFAN SYNDROME, TYPE I; Marfan syndrome type 1; Marfan's syndrome; Marfan syndrome, classic. Identifiers: Orphanet 284963, Orphanet 558, MedGen C0024796, MONDO:0007947, OMIM 154700.
Familial thoracic aortic aneurysm and aortic dissection (TAAD). Also called: Thoracic aortic aneurysms and dissections. Identifiers: Orphanet 91387, MedGen C4707243, MONDO:0019625.

Allele frequency attached by ClinVar (database versions not stated): TOPMed 0.00001; gnomAD exomes below 0.00001; gnomAD 0.00001.
gnomAD v4.1: 5 of 1,614,084 alleles (0.00031%); highest among the groups gnomAD compares: Admixed American, 0.0017%; no homozygotes.

Submissions (2):

Labcorp Genetics (formerly Invitae), Labcorp
Classification: Uncertain significance for Marfan syndrome; Familial thoracic aortic aneurysm and aortic dissection. Last evaluated: 2024-04-06. Review status: criteria provided, single submitter. Criteria: Invitae Variant Classification Sherloc (09022015). Collection method: clinical testing. Allele origin: germline.
Comment: This sequence change replaces isoleucine, which is neutral and non-polar, with valine, which is neutral and non-polar, at codon 1071 of the FBN1 protein (p.Ile1071Val). This variant is present in population databases (no rsID available, gnomAD 0.003%). This missense change has been observed in individual(s) with clinical features of FBN1-related conditions (Invitae). ClinVar contains an entry for this variant (Variation ID: 1006686). An algorithm developed to predict the effect of missense changes on protein structure and function (PolyPhen-2) suggests that this variant is likely to be disruptive. In summary, the available evidence is currently insufficient to determine the role of this variant in disease. Therefore, it has been classified as a Variant of Uncertain Significance.

All of Us Research Program, National Institutes of Health
Classification: Uncertain significance for Marfan syndrome. Last evaluated: 2023-11-20. Review status: criteria provided, single submitter. Criteria: ACMG Guidelines, 2015. Collection method: clinical testing. Allele origin: germline. Inheritance: Autosomal dominant inheritance. Observed: 1 variant allele, 1 heterozygote.
Comment: This missense variant replaces isoleucine with valine at codon 1071 of the FBN1 protein. Computational prediction suggests that this variant may not impact protein structure and function (internally defined REVEL score threshold <= 0.5, PMID: 27666373). To our knowledge, functional studies have not been reported for this variant. This variant has not been reported in individuals affected with FBN1-related disorders in the literature. This variant has been identified in 2/282854 chromosomes in the general population by the Genome Aggregation Database (gnomAD). The available evidence is insufficient to determine the role of this variant in disease conclusively. Therefore, this variant is classified as a Variant of Uncertain Significance.

This study involves interpretation of variants in research participants for the purpose of population health screening. Participant phenotype was not available at the time of variant classification. Additional details can be found in publication PMID: 35346344, PMCID: PMC8962531

NM_000138.5(FBN1):c.3211A>G (p.Ile1071Val)

Gene: FBN1 (fibrillin 1; minus strand). Cytogenetic location: 15q21.1.
Variant type: single nucleotide variant.
Coding change: c.3211A>G on transcript NM_000138.5 (MANE Select); coding-DNA position 3211, A replaced by G.
Protein change: p.Ile1071Val; replaces isoleucine 1071 with valine.
Molecular consequence: missense variant.
Genome position (GRCh38, 1-based): chr15:48,488,239, T>C on the plus strand (A>G on the coding strand, the complement: FBN1 is on the minus strand). VCF-style: chr15-48488239-T-C. GRCh37 (hg19) VCF-style: chr15-48780436-T-C.
Other names: short protein forms I1071V.
Identifiers: ClinVar variation 1006686 (VCV001006686.7), dbSNP rs990134651, ClinGen allele CA269532126.